The following is an entry in ClinVar:

NC_000004.12:g.(?_88262575)_(88278603_?)del

Gene: PPM1K (protein phosphatase, Mg2+/Mn2+ dependent 1K; minus strand). Cytogenetic location: 4q22.1.
Variant type: Deletion.
Identifiers: ClinVar variation 830899 (VCV000830899.1).

ClinVar aggregate classification (germline): Uncertain significance (1 of 4 stars; one submission).

Conditions:
Maple syrup urine disease, mild variant (MSUDMV). Identifiers: Orphanet 511, MedGen C3554575, MONDO:0014057, OMIM 615135.

Submission:

Labcorp Genetics (formerly Invitae), Labcorp
Classification: Uncertain significance for Maple syrup urine disease, mild variant. Last evaluated: 2019-02-14. Review status: criteria provided, single submitter. Criteria: Invitae Variant Classification Sherloc (09022015). Collection method: clinical testing. Allele origin: germline.
Comment: A gross deletion of the genomic region encompassing the full coding sequence of the PPM1K gene has been identified. The boundaries of this event are unknown as the deletion extends beyond the assayed region for this gene and therefore may encompass additional genes. This variant has not been reported in the literature in individuals with PPM1K-related conditions. The current clinical and genetic evidence is not sufficient to establish whether loss-of-function variants in PPM1K cause disease. In summary, the available evidence is currently insufficient to determine the role of this variant in disease. Therefore, it has been classified as a Variant of Uncertain Significance.